The following is an entry in ClinVar:

NM_017534.6(MYH2):c.3683G>A (p.Ser1228Asn)

Genes: MYHAS (myosin heavy chain gene cluster antisense RNA; plus strand), MYH2 (myosin heavy chain 2; minus strand). Cytogenetic location: 17p13.1.
Variant type: single nucleotide variant.
Coding change: c.3683G>A on transcript NM_017534.6 (MANE Select); coding-DNA position 3683, G replaced by A.
Protein change: p.Ser1228Asn; replaces serine 1228 with asparagine.
Molecular consequence: missense variant.
Genome position (GRCh38, 1-based): chr17:10,528,751, C>T on the plus strand (G>A on the coding strand, the complement: MYH2 is on the minus strand). VCF-style: chr17-10528751-C-T. GRCh37 (hg19) VCF-style: chr17-10432068-C-T.
Other names: c.3683G>A, p.Ser1228Asn (NM_001100112.2); short protein forms S1228N.
Identifiers: ClinVar variation 944662 (VCV000944662.13), dbSNP rs147439455, ClinGen allele CA8390843.
Genomic context (GRCh38, chr17:10,528,751, plus strand): 5'-TTGGCTTTGGAGACCGTTTCTACATTACTAGCAAGGTCATCAATCTCCATCTTCATCTCA[C>T]TCTTCTCCTTCTCCAGCTTCTGCTTCACTCGCTGCAGGTTGTCAATCTGCTCCCCAAGCT-3'
Protein context (NP_060004.3, residues 1218-1238): RVKQKLEKEK[Ser1228Asn]EMKMEIDDLA

ClinVar aggregate classification (germline): Uncertain significance. Review status: criteria provided, multiple submitters, no conflicts (2 of 4 stars). 4 submissions from 4 submitters: Uncertain significance (3). 1 of the submissions does not count toward it. Last evaluated 2025-10-21.

Conditions:
Myopathy, proximal, and ophthalmoplegia (CMYO6). Also called: MYOPATHY WITH CONGENITAL JOINT CONTRACTURES, OPHTHALMOPLEGIA, AND RIMMED VACUOLES; INCLUSION BODY MYOPATHY 3, AUTOSOMAL DOMINANT; CONGENITAL MYOPATHY 6 WITH OPHTHALMOPLEGIA. Identifiers: Orphanet 363677, Orphanet 79091, MedGen C1854106, MONDO:0011577, OMIM 605637.
Inborn genetic diseases. Identifiers: MedGen C0950123, MeSH D030342.

Allele frequency attached by ClinVar (database versions not stated): ExAC 0.00007; gnomAD 0.00007; TOPMed 0.00008; gnomAD exomes 0.00017; ESP Exome Variant Server 0.00031.
gnomAD v4.1: 253 of 1,613,990 alleles (0.016%); highest among the groups gnomAD compares: Non-Finnish European, 0.021%; no homozygotes.

Submissions (4):

Labcorp Genetics (formerly Invitae), Labcorp
Classification: Uncertain significance for Myopathy, proximal, and ophthalmoplegia. Last evaluated: 2025-10-21. Review status: criteria provided, single submitter. Criteria: Invitae Variant Classification Sherloc (09022015). Collection method: clinical testing. Allele origin: germline.
Comment: This sequence change replaces serine, which is neutral and polar, with asparagine, which is neutral and polar, at codon 1228 of the MYH2 protein (p.Ser1228Asn). This variant is present in population databases (rs147439455, gnomAD 0.01%). This variant has not been reported in the literature in individuals affected with MYH2-related conditions. ClinVar contains an entry for this variant (Variation ID: 944662). Invitae Evidence Modeling of protein sequence and biophysical properties (such as structural, functional, and spatial information, amino acid conservation, physicochemical variation, residue mobility, and thermodynamic stability) indicates that this missense variant is not expected to disrupt MYH2 protein function with a negative predictive value of 80%. In summary, the available evidence is currently insufficient to determine the role of this variant in disease. Therefore, it has been classified as a Variant of Uncertain Significance.

Ambry Genetics
Classification: Uncertain significance for Inborn genetic diseases. Last evaluated: 2025-06-09. Review status: criteria provided, single submitter. Criteria: Ambry Variant Classification Scheme 2023. Collection method: clinical testing. Allele origin: germline.

Revvity Omics, Revvity
Classification: Uncertain significance for Myopathy, proximal, and ophthalmoplegia. Last evaluated: 2019-08-12. Review status: criteria provided, single submitter. Criteria: ACMG Guidelines, 2015. Collection method: clinical testing. Allele origin: germline.

Department of Pathology and Laboratory Medicine, Sinai Health System
Classification: Uncertain significance. Review status: no assertion criteria provided. Collection method: clinical testing. Allele origin: unknown. Affected: yes. Study: The Canadian Open Genetics Repository (COGR). Not counted in ClinVar's aggregate classification.
Comment: The MYH2 p.Ser1228Asn variant was not identified in the literature nor was it identified in ClinVar, Cosmic or LOVD 3.0. The variant was identified in dbSNP (ID: rs147439455) and in control databases in 18 of 251456 chromosomes at a frequency of 0.000072 (Genome Aggregation Database Feb 27, 2017). The variant was observed in the following populations: European (non-Finnish) in 15 of 113742 chromosomes (freq: 0.000132), African in 1 of 16256 chromosomes (freq: 0.000062) and Latino in 2 of 34590 chromosomes (freq: 0.000058), while the variant was not observed in the Ashkenazi Jewish, East Asian, European (Finnish), Other or South Asian populations. The p.Ser1228 residue is conserved in mammals and computational analyses (PolyPhen-2, SIFT, AlignGVGD, BLOSUM, MutationTaster) provide inconsistent predictions regarding the impact to the protein; this information is not very predictive of pathogenicity. The variant occurs outside of the splicing consensus sequence and 3 of 4 in silico or computational prediction software programs (SpliceSiteFinder, NNSPLICE, GeneSplicer) do not predict a difference in splicing. In summary, based on the above information the clinical significance of this variant cannot be determined with certainty at this time. This variant is classified as a variant of uncertain significance.